The following is an entry in ClinVar:

ClinVar aggregate classification (germline): Conflicting classifications of pathogenicity. Review status: criteria provided, conflicting classifications (1 of 4 stars). 2 submissions from 2 submitters: Uncertain significance (1); Likely benign (1). Last evaluated 2022-11-08.

Allele frequency attached by ClinVar (database versions not stated): gnomAD 0.00001; TOPMed 0.00002.
gnomAD v4.1: 19 of 1,614,060 alleles (0.0012%); highest among the groups gnomAD compares: Admixed American, 0.022%; no homozygotes.

Submissions (2):

Labcorp Genetics (formerly Invitae), Labcorp
Classification: Uncertain significance. Last evaluated: 2022-11-08. Review status: criteria provided, single submitter. Criteria: Invitae Variant Classification Sherloc (09022015). Collection method: clinical testing. Allele origin: germline.
Comment: In summary, the available evidence is currently insufficient to determine the role of this variant in disease. Therefore, it has been classified as a Variant of Uncertain Significance. Algorithms developed to predict the effect of missense changes on protein structure and function output the following: SIFT: "Tolerated"; PolyPhen-2: "Benign"; Align-GVGD: "Class C0". The glutamine amino acid residue is found in multiple mammalian species, which suggests that this missense change does not adversely affect protein function. This variant has not been reported in the literature in individuals affected with FAT2-related conditions. This variant is present in population databases (rs759462201, gnomAD 0.02%). This sequence change replaces histidine, which is basic and polar, with glutamine, which is neutral and polar, at codon 3738 of the FAT2 protein (p.His3738Gln).

Blueprint Genetics
Classification: Likely benign. Last evaluated: 2022-02-10. Review status: criteria provided, single submitter. Criteria: ACMG Guidelines, 2015. Collection method: clinical testing. Allele origin: germline.

NM_001447.3(FAT2):c.11214T>A (p.His3738Gln)

Genes: FAT2 (FAT atypical cadherin 2; minus strand), SLC36A1 (solute carrier family 36 member 1; plus strand). Cytogenetic location: 5q33.1.
Variant type: single nucleotide variant.
Coding change: c.11214T>A on transcript NM_001447.3 (MANE Select); coding-DNA position 11214, T replaced by A.
Protein change: p.His3738Gln; replaces histidine 3738 with glutamine.
Molecular consequence: missense variant.
Genome position (GRCh38, 1-based): chr5:151,521,379, A>T on the plus strand (T>A on the coding strand, the complement: FAT2 is on the minus strand). VCF-style: chr5-151521379-A-T. GRCh37 (hg19) VCF-style: chr5-150900940-A-T.
Other names: short protein forms H3738Q.
Identifiers: ClinVar variation 1910863 (VCV001910863.6), dbSNP rs759462201, ClinGen allele CA3520070.
Genomic context (GRCh38, chr5:151,521,379, plus strand): 5'-GATGCTGAGCCTGGCGGTGCTGTACGTGGGCCCAACCTTGGGGTCCAGATGCACTGTGTT[A>T]TGGCAGATTTGACCCTGGCAGGTTGGCCCCTGGCAGGGCACCATGGGCATAGCTGACCGC-3'
Protein context (NP_001438.1, residues 3728-3748): QGPTCQGQIC[His3738Gln]NTVHLDPKVG